The following is an entry in ClinVar:

NM_022726.4(ELOVL4):c.*377T>A

Gene: ELOVL4 (ELOVL fatty acid elongase 4; minus strand). Cytogenetic location: 6q14.1.
Variant type: single nucleotide variant.
Coding change: c.*377T>A on transcript NM_022726.4 (MANE Select); 377 bases downstream of the stop codon, T replaced by A.
Molecular consequence: 3 prime UTR variant.
Genome position (GRCh38, 1-based): chr6:79,916,231, A>T on the plus strand (T>A on the coding strand, the complement: ELOVL4 is on the minus strand). VCF-style: chr6-79916231-A-T. GRCh37 (hg19) VCF-style: chr6-80625948-A-T.
Identifiers: ClinVar variation 358135 (VCV000358135.5), dbSNP rs77249894, ClinGen allele CA10627757.
Genomic context (GRCh38, chr6:79,916,231, plus strand): 5'-CAAGAAAATGTAACACCACTGATTTCAGTCAGTAGATAAGATAATTAGTAATTTATCAAA[A>T]TAATTCATAAAGACCGTTTCTGTGATCGTCTAAAATTCAGACCGAAGAATGAGTGACTAT-3'

ClinVar aggregate classification (germline): Benign (1 of 4 stars; one submission).

Conditions:
Stargardt disease 3. Also called: MACULAR DYSTROPHY WITH FLECKS, TYPE 3; STARGARDT-LIKE MACULAR DYSTROPHY, AUTOSOMAL DOMINANT. Identifiers: Orphanet 827, MedGen C1838644, MONDO:0010819, OMIM 600110.

Allele frequency attached by ClinVar (database versions not stated): gnomAD 0.00027 and 0.00047; gnomAD exomes 0.00085; TOPMed 0.00087; 1000 Genomes Project 30x 0.00187; 1000 Genomes Project 0.00200.
gnomAD v4.1: 119 of 209,306 alleles (0.057%); highest among the groups gnomAD compares: East Asian, 1.1%; 3 homozygotes.

Submission:

Illumina Laboratory Services, Illumina
Classification: Benign for Stargardt disease 3. Last evaluated: 2018-01-13. Review status: criteria provided, single submitter. Criteria: ICSL Variant Classification Criteria 13 December 2019. Collection method: clinical testing. Allele origin: germline.
Comment: This variant was observed in the ICSL laboratory as part of a predisposition screen in an ostensibly healthy population. It had not been previously curated by ICSL or reported in the Human Gene Mutation Database (HGMD: prior to June 1st, 2018), and was therefore a candidate for classification through an automated scoring system. Utilizing variant allele frequency, disease prevalence and penetrance estimates, and inheritance mode, an automated score was calculated to assess if this variant is too frequent to cause the disease. Based on the score and internal cut-off values, a variant classified as benign is not then subjected to further curation. The score for this variant resulted in a classification of benign for this disease.